The following is an entry in ClinVar:

ClinVar aggregate classification (germline): Uncertain significance (1 of 4 stars; one submission).

gnomAD v4.1: 57 of 1,610,880 alleles (0.0035%); highest among the groups gnomAD compares: Non-Finnish European, 0.0045%; no homozygotes.

Submission:

Labcorp Genetics (formerly Invitae), Labcorp
Classification: Uncertain significance. Last evaluated: 2025-09-21. Review status: criteria provided, single submitter. Criteria: Invitae Variant Classification Sherloc (09022015). Collection method: clinical testing. Allele origin: germline.
Comment: This sequence change replaces aspartic acid, which is acidic and polar, with asparagine, which is neutral and polar, at codon 330 of the RHBDF2 protein (p.Asp330Asn). This variant is present in population databases (rs373960817, gnomAD 0.009%). This variant has not been reported in the literature in individuals affected with RHBDF2-related conditions. An algorithm developed to predict the effect of missense changes on protein structure and function (PolyPhen-2) suggests that this variant is likely to be disruptive. In summary, the available evidence is currently insufficient to determine the role of this variant in disease. Therefore, it has been classified as a Variant of Uncertain Significance.

NM_001005498.4(RHBDF2):c.901G>A (p.Asp301Asn)

Gene: RHBDF2 (rhomboid 5 homolog 2; minus strand). Cytogenetic location: 17q25.1.
Variant type: single nucleotide variant.
Coding change: c.901G>A on transcript NM_001005498.4 (MANE Select); coding-DNA position 901, G replaced by A.
Protein change: p.Asp301Asn; replaces aspartic acid 301 with asparagine.
Molecular consequence: missense variant. On other transcripts: non-coding transcript variant (3).
Genome position (GRCh38, 1-based): chr17:76,477,199, C>T on the plus strand (G>A on the coding strand, the complement: RHBDF2 is on the minus strand). VCF-style: chr17-76477199-C-T. GRCh37 (hg19) VCF-style: chr17-74473281-C-T.
Other names: c.901G>A, p.Asp301Asn (NM_001376228.1, NM_001376229.1, NM_001376230.1); c.988G>A, p.Asp330Asn (NM_024599.5); short protein forms D330N, D301N.
Identifiers: ClinVar variation 4696412 (VCV004696412.1).
Genomic context (GRCh38, chr17:76,477,199, plus strand): 5'-TGGTGGCTGGCCTGGAGGAGGGACTCTGCCCCAGCACTCACAGAGGGATTTGCACCCCAT[C>T]GGGGGAGACAGGGGAGGCTGAGTGTGGGATCCCTCGGAAGTAGCTGGCAGAGAGTGGGGG-3'
Protein context (NP_001005498.2, residues 291-311): IPHSASPVSP[Asp301Asn]GVQIPLKEYG